The following is an entry in ClinVar:

ClinVar aggregate classification (germline): Pathogenic. Review status: criteria provided, multiple submitters, no conflicts (2 of 4 stars). 3 submissions from 3 submitters: Pathogenic (3). Last evaluated 2023-05-26.

Conditions:
CNKSR2-related disorder. Also called: CNKSR2-related condition.

Submissions (3):

Blueprint Genetics
Classification: Pathogenic for CNKSR2-related disorders. Last evaluated: 2023-05-26. Review status: criteria provided, single submitter. Criteria: ACMG Guidelines, 2015. Collection method: clinical testing. Allele origin: germline. Affected: yes. Observed: 1 variant allele.

GeneDx
Classification: Pathogenic. Last evaluated: 2023-04-14. Review status: criteria provided, single submitter. Criteria: GeneDx Variant Classification Process June 2021. Collection method: clinical testing. Allele origin: germline. Affected: yes.
Comment: Frameshift variant predicted to result in protein truncation or nonsense mediated decay in a gene for which loss of function is a known mechanism of disease; Not observed at significant frequency in large population cohorts (gnomAD); This variant is associated with the following publications: (PMID: 33504798, 35053419, 31785789, 34266427)

CeGaT Center for Human Genetics Tuebingen
Classification: Pathogenic. Last evaluated: 2020-07-01. Review status: criteria provided, single submitter. Criteria: CeGaT Center For Human Genetics Tuebingen Variant Classification Criteria Version 2. Collection method: clinical testing. Allele origin: germline. Affected: yes. Observed: 1 variant allele.

NM_014927.5(CNKSR2):c.2026_2027del (p.Arg676fs)

Gene: CNKSR2 (connector enhancer of kinase suppressor of Ras 2; plus strand). Cytogenetic location: Xp22.12.
Variant type: Microsatellite.
Coding change: c.2026_2027del on transcript NM_014927.5 (MANE Select); coding-DNA positions 2026 to 2027, 2 bases deleted (AG; older notation c.2026_2027delAG).
Protein change: p.Arg676fs; shifts the reading frame from arginine 676.
Molecular consequence: frameshift variant.
Genome position (GRCh38, 1-based): chrX:21,601,331-21,601,332, AG deleted; deleting any 2 consecutive bases within chrX:21,601,325-21,601,332 gives the same sequence; the c. name uses the placement nearest the transcript's 3' end. VCF-style (leftmost placement, unchanged base first): chrX-21601324-AAG-A. GRCh37 (hg19) VCF-style: chrX-21619442-AAG-A.
Other names: c.2026_2027delAG (NM_014927.3); c.1936_1937del, p.Arg646fs (NM_001168647.3, NM_001330773.2); c.2026_2027del, p.Arg676fs (NM_001168648.3); c.1879_1880del, p.Arg627fs (NM_001168649.3, NM_001330770.2); c.1789_1790del, p.Arg597fs (NM_001330771.2, NM_001330772.2); c.2026_2027del (NM_014927.3); short protein forms R646fs, R597fs, R627fs, R676fs.
Identifiers: ClinVar variation 817278 (VCV000817278.44), dbSNP rs1602013845, ClinGen allele CA658794093.